The following is an entry in ClinVar:

NM_001035.3(RYR2):c.5761C>G (p.Arg1921Gly)

Gene: RYR2 (ryanodine receptor 2; plus strand). Cytogenetic location: 1q43.
Variant type: single nucleotide variant.
Coding change: c.5761C>G on transcript NM_001035.3 (MANE Select); coding-DNA position 5761, C replaced by G.
Protein change: p.Arg1921Gly; replaces arginine 1921 with glycine.
Molecular consequence: missense variant.
Genome position (GRCh38, 1-based): chr1:237,617,331, C>G. VCF-style: chr1-237617331-C-G. GRCh37 (hg19) VCF-style: chr1-237780631-C-G.
Other names: short protein forms R1921G.
Identifiers: ClinVar variation 1332240 (VCV001332240.3), dbSNP rs760010432, ClinGen allele CA39833702.

ClinVar aggregate classification (germline): Uncertain significance (1 of 4 stars; one submission).

Conditions:
Cardiomyopathy (CMYO). Also called: Cardiomyopathies. Identifiers: Orphanet 167848, MedGen C0878544, MONDO:0004994, HP:0001638. Inheritance: Various modes of inheritance.

Submission:

Color Diagnostics, LLC DBA Color Health
Classification: Uncertain significance for Cardiomyopathy. Last evaluated: 2024-03-07. Review status: criteria provided, single submitter. Criteria: ACMG Guidelines, 2015. Collection method: clinical testing. Allele origin: germline.
Comment: This missense variant replaces arginine with glycine at codon 1921 of the RYR2 protein. Computational prediction is inconclusive regarding the impact of this variant on protein structure and function (internally defined REVEL score threshold 0.5 < inconclusive < 0.7, PMID: 27666373). To our knowledge, functional studies have not been reported for this variant. This variant has not been reported in individuals affected with cardiovascular disorders in the literature. This variant has not been identified in the general population by the Genome Aggregation Database (gnomAD). The available evidence is insufficient to determine the role of this variant in disease conclusively. Therefore, this variant is classified as a Variant of Uncertain Significance.